The following is an entry in ClinVar:

ClinVar aggregate classification (germline): Benign (3 of 4 stars; one submission).

Conditions:
Breast-ovarian cancer, familial, susceptibility to, 2 (BROVCA2). Also called: BRCA2 Hereditary Breast and Ovarian Cancer. Identifiers: Orphanet 145, MedGen C2675520, MONDO:0012933, OMIM 612555. Disease mechanism: loss of function.

Allele frequency attached by ClinVar (database versions not stated): 1000 Genomes Project 0.00679; gnomAD 0.00725 and 0.00792; 1000 Genomes Project 30x 0.00734; TOPMed 0.00804.
gnomAD v4.1: 1,095 of 152,126 alleles (0.72%); highest among the groups gnomAD compares: African/African-American, 2.5%; 15 homozygotes.

Submission:

Evidence-based Network for the Interpretation of Germline Mutant Alleles (ENIGMA)
Classification: Benign for Breast-ovarian cancer, familial 2. Last evaluated: 2015-01-12. Review status: reviewed by expert panel. Criteria: ENIGMA BRCA1/2 Classification Criteria (2015). Collection method: curation. Allele origin: germline.
Comment: Class 1 not pathogenic based on frequency >1% in an outbred sampleset. Frequency 0.02642 (African), derived from 1000 genomes (2012-04-30).

NM_000059.4(BRCA2):c.1910-787G>C

Gene: BRCA2 (BRCA2 DNA repair associated; plus strand). Cytogenetic location: 13q13.1.
Variant type: single nucleotide variant.
Coding change: c.1910-787G>C on transcript NM_000059.4 (MANE Select); 787 bases into the intron before coding-DNA position 1910, G replaced by C.
Molecular consequence: intron variant.
Genome position (GRCh38, 1-based): chr13:32,335,478, G>C. VCF-style: chr13-32335478-G-C. GRCh37 (hg19) VCF-style: chr13-32909615-G-C.
Other names: IVS 10-787G>C.
Identifiers: ClinVar variation 209682 (VCV000209682.1), dbSNP rs79662804, ClinGen allele CA276651.